The following is an entry in ClinVar:

NM_004621.6(TRPC6):c.2711A>G (p.Gln904Arg)

Gene: TRPC6 (transient receptor potential cation channel subfamily C member 6; minus strand). Cytogenetic location: 11q22.1.
Variant type: single nucleotide variant.
Coding change: c.2711A>G on transcript NM_004621.6 (MANE Select); coding-DNA position 2711, A replaced by G.
Protein change: p.Gln904Arg; replaces glutamine 904 with arginine.
Molecular consequence: missense variant.
Genome position (GRCh38, 1-based): chr11:101,453,040, T>C on the plus strand (A>G on the coding strand, the complement: TRPC6 is on the minus strand). VCF-style: chr11-101453040-T-C. GRCh37 (hg19) VCF-style: chr11-101323771-T-C.
Other names: short protein forms Q904R.
Identifiers: ClinVar variation 972681 (VCV000972681.7), dbSNP rs148529934, ClinGen allele CA6244032.

ClinVar aggregate classification (germline): Uncertain significance. Review status: criteria provided, multiple submitters, no conflicts (2 of 4 stars). 3 submissions from 3 submitters: Uncertain significance (3). Last evaluated 2022-09-15.

Conditions:
Focal segmental glomerulosclerosis 2 (FSGS2). Identifiers: Orphanet 656, MedGen C1858915, MONDO:0011390, OMIM 603965.

Allele frequency attached by ClinVar (database versions not stated): ExAC 0.00005; gnomAD exomes 0.00006; TOPMed 0.00006; ESP Exome Variant Server 0.00008; gnomAD 0.00008; 1000 Genomes Project 30x 0.00016; 1000 Genomes Project 0.00020.
gnomAD v4.1: 100 of 1,613,864 alleles (0.0062%); highest among the groups gnomAD compares: Non-Finnish European, 0.0079%; no homozygotes.

Submissions (3):

Labcorp Genetics (formerly Invitae), Labcorp
Classification: Uncertain significance. Last evaluated: 2022-09-15. Review status: criteria provided, single submitter. Criteria: Invitae Variant Classification Sherloc (09022015). Collection method: clinical testing. Allele origin: germline.
Comment: ClinVar contains an entry for this variant (Variation ID: 972681). This sequence change replaces glutamine, which is neutral and polar, with arginine, which is basic and polar, at codon 904 of the TRPC6 protein (p.Gln904Arg). This variant is present in population databases (rs148529934, gnomAD 0.009%). This missense change has been observed in individual(s) with focal segmental glomerulosclerosis (Invitae). Advanced modeling of protein sequence and biophysical properties (such as structural, functional, and spatial information, amino acid conservation, physicochemical variation, residue mobility, and thermodynamic stability) performed at Invitae indicates that this missense variant is not expected to disrupt TRPC6 protein function. In summary, the available evidence is currently insufficient to determine the role of this variant in disease. Therefore, it has been classified as a Variant of Uncertain Significance.

Fulgent Genetics
Classification: Uncertain significance for Focal segmental glomerulosclerosis 2. Last evaluated: 2022-05-18. Review status: criteria provided, single submitter. Criteria: ACMG Guidelines, 2015. Collection method: clinical testing. Allele origin: unknown.

MVZ Martinsried, Medicover Genetics
Classification: Uncertain significance for Focal segmental glomerulosclerosis 2. Last evaluated: 2020-01-17. Review status: criteria provided, single submitter. Criteria: ACMG Guidelines, 2015. Collection method: clinical testing. Allele origin: unknown. Affected: yes.